The following is an entry in ClinVar:

ClinVar aggregate classification (germline): Uncertain significance (1 of 4 stars; one submission).

Conditions:
Pitt-Hopkins syndrome (PTHS). Also called: MENTAL RETARDATION, SYNDROMAL, WITH INTERMITTENT HYPERVENTILATION; ENCEPHALOPATHY, SEVERE EPILEPTIC, WITH AUTONOMIC DYSFUNCTION. Identifiers: Orphanet 2896, MedGen C1970431, MONDO:0012589, OMIM 610954.

Allele frequency attached by ClinVar (database versions not stated): gnomAD 0.00001.
gnomAD v4.1: 1 of 1,613,252 alleles (0.000062%); highest among the groups gnomAD compares: African/African-American, 0.0013%; no homozygotes.

Submission:

Labcorp Genetics (formerly Invitae), Labcorp
Classification: Uncertain significance for Pitt-Hopkins syndrome. Last evaluated: 2022-06-20. Review status: criteria provided, single submitter. Criteria: Invitae Variant Classification Sherloc (09022015). Collection method: clinical testing. Allele origin: germline.
Comment: In summary, the available evidence is currently insufficient to determine the role of this variant in disease. Therefore, it has been classified as a Variant of Uncertain Significance. Algorithms developed to predict the effect of missense changes on protein structure and function (SIFT, PolyPhen-2, Align-GVGD) all suggest that this variant is likely to be tolerated. This variant has not been reported in the literature in individuals affected with TCF4-related conditions. This variant is present in population databases (no rsID available, gnomAD 0.01%). This sequence change replaces asparagine, which is neutral and polar, with aspartic acid, which is acidic and polar, at codon 289 of the TCF4 protein (p.Asn289Asp).

NM_001083962.2(TCF4):c.865A>G (p.Asn289Asp)

Genes: TCF4 (transcription factor 4; minus strand), LOC126862757 (CDK7 strongly-dependent group 2 enhancer GRCh37_chr18:52936433-52937632; plus strand). Cytogenetic location: 18q21.2.
Variant type: single nucleotide variant.
Coding change: c.865A>G on transcript NM_001083962.2 (MANE Select); coding-DNA position 865, A replaced by G.
Protein change: p.Asn289Asp; replaces asparagine 289 with aspartic acid.
Molecular consequence: missense variant.
Genome position (GRCh38, 1-based): chr18:55,269,888, T>C on the plus strand (A>G on the coding strand, the complement: TCF4 is on the minus strand). VCF-style: chr18-55269888-T-C. GRCh37 (hg19) VCF-style: chr18-52937119-T-C.
Other names: c.1171A>G, p.Asn391Asp (NM_001243226.3); c.793A>G, p.Asn265Asp (NM_001243227.2, NM_001348217.1, NM_001348218.2 and 9 more transcripts); c.883A>G, p.Asn295Asp (NM_001243228.2); c.859A>G, p.Asn287Asp (NM_001243230.2); c.739A>G, p.Asn247Asp (NM_001243231.2, NM_001348211.2); c.652A>G, p.Asn218Asp (NM_001243232.1, NM_001306208.1); c.475A>G, p.Asn159Asp (NM_001243233.2, NM_001330605.3, NM_001348212.2 and 1 more transcripts); c.385A>G, p.Asn129Asp (NM_001243234.2, NM_001243235.2, NM_001243236.2 and 2 more transcripts); and 4 more; short protein forms N218D, N264D, N287D, N129D, N265D, N288D, N391D, N159D.
Identifiers: ClinVar variation 1348818 (VCV001348818.8), dbSNP rs1182405539, ClinGen allele CA402701209.